The following is an entry in ClinVar:

NM_001099922.3(ALG13):c.1619C>T (p.Ala540Val)

Gene: ALG13 (ALG13 UDP-N-acetylglucosaminyltransferase subunit; plus strand). Cytogenetic location: Xq23.
Variant type: single nucleotide variant.
Coding change: c.1619C>T on transcript NM_001099922.3 (MANE Select); coding-DNA position 1619, C replaced by T.
Protein change: p.Ala540Val; replaces alanine 540 with valine.
Molecular consequence: missense variant. On other transcripts: non-coding transcript variant (1).
Genome position (GRCh38, 1-based): chrX:111,724,951, C>T. VCF-style: chrX-111724951-C-T. GRCh37 (hg19) VCF-style: chrX-110968179-C-T.
Other names: c.1307C>T, p.Ala436Val (NM_001257230.2, NM_001257234.2, NM_001257237.2); c.1385C>T, p.Ala462Val (NM_001257231.2); c.1619C>T, p.Ala540Val (NM_001324292.2); c.1133C>T, p.Ala378Val (NM_001324293.1); short protein forms A378V, A436V, A540V, A462V.
Identifiers: ClinVar variation 648460 (VCV000648460.10), dbSNP rs1234385710, ClinGen allele CA414252151.

ClinVar aggregate classification (germline): Uncertain significance. Review status: criteria provided, multiple submitters, no conflicts (2 of 4 stars). 2 submissions from 2 submitters: Uncertain significance (2). Last evaluated 2024-06-30.

Conditions:
Inborn genetic diseases. Identifiers: MedGen C0950123, MeSH D030342.
Developmental and epileptic encephalopathy, 36 (DEE36). Also called: ALG13-CDG; Congenital disorder of glycosylation, type Is; Epileptic encephalopathy, early infantile, 36. Identifiers: Orphanet 324422, MedGen C4317295, MONDO:0010472, OMIM 300884.

Allele frequency attached by ClinVar (database versions not stated): gnomAD exomes 0.00001; TOPMed 0.00001.
gnomAD v4.1: 3 of 1,210,093 alleles (0.00025%); highest among the groups gnomAD compares: Admixed American, 0.0065%; no homozygotes.

Submissions (2):

Labcorp Genetics (formerly Invitae), Labcorp
Classification: Uncertain significance for Developmental and epileptic encephalopathy, 36. Last evaluated: 2024-06-30. Review status: criteria provided, single submitter. Criteria: Invitae Variant Classification Sherloc (09022015). Collection method: clinical testing. Allele origin: germline.
Comment: This sequence change replaces alanine, which is neutral and non-polar, with valine, which is neutral and non-polar, at codon 540 of the ALG13 protein (p.Ala540Val). This variant is present in population databases (no rsID available, gnomAD 0.004%). This variant has not been reported in the literature in individuals affected with ALG13-related conditions. ClinVar contains an entry for this variant (Variation ID: 648460). Advanced modeling of protein sequence and biophysical properties (such as structural, functional, and spatial information, amino acid conservation, physicochemical variation, residue mobility, and thermodynamic stability) performed at Invitae indicates that this missense variant is not expected to disrupt ALG13 protein function with a negative predictive value of 80%. In summary, the available evidence is currently insufficient to determine the role of this variant in disease. Therefore, it has been classified as a Variant of Uncertain Significance.

Ambry Genetics
Classification: Uncertain significance for Inborn genetic diseases. Last evaluated: 2018-06-20. Review status: criteria provided, single submitter. Criteria: Ambry Variant Classification Scheme 2023. Collection method: clinical testing. Allele origin: germline.
Comment: The p.A540V variant (also known as c.1619C>T), located in coding exon 15 of the ALG13 gene, results from a C to T substitution at nucleotide position 1619. The alanine at codon 540 is replaced by valine, an amino acid with similar properties. This amino acid position is not well conserved in available vertebrate species. In addition, this alteration is predicted to be tolerated by in silico analysis. Since supporting evidence is limited at this time, the clinical significance of this alteration remains unclear.